The following is an entry in ClinVar:

ClinVar aggregate classification (germline): Uncertain significance (1 of 4 stars; one submission).

Allele frequency attached by ClinVar (database versions not stated): TOPMed below 0.00001; gnomAD 0.00001; gnomAD exomes 0.00001 and 0.00002.
gnomAD v4.1: 32 of 1,613,008 alleles (0.002%); highest among the groups gnomAD compares: Non-Finnish European, 0.0025%; no homozygotes.

Submission:

Labcorp Genetics (formerly Invitae), Labcorp
Classification: Uncertain significance. Last evaluated: 2022-06-13. Review status: criteria provided, single submitter. Criteria: Invitae Variant Classification Sherloc (09022015). Collection method: clinical testing. Allele origin: germline.
Comment: This sequence change replaces threonine, which is neutral and polar, with methionine, which is neutral and non-polar, at codon 622 of the ARMC9 protein (p.Thr622Met). This variant is present in population databases (rs749948079, gnomAD 0.003%). This variant has not been reported in the literature in individuals affected with ARMC9-related conditions. ClinVar contains an entry for this variant (Variation ID: 1058308). Experimental studies and prediction algorithms are not available or were not evaluated, and the functional significance of this variant is currently unknown. In summary, the available evidence is currently insufficient to determine the role of this variant in disease. Therefore, it has been classified as a Variant of Uncertain Significance.

NM_001352754.2(ARMC9):c.1865C>T (p.Thr622Met)

Gene: ARMC9 (armadillo repeat containing 9; plus strand). Cytogenetic location: 2q37.1.
Variant type: single nucleotide variant.
Coding change: c.1865C>T on transcript NM_001352754.2 (MANE Select); coding-DNA position 1865, C replaced by T.
Protein change: p.Thr622Met; replaces threonine 622 with methionine.
Molecular consequence: missense variant. On other transcripts: non-coding transcript variant (1), intron variant (1).
Genome position (GRCh38, 1-based): chr2:231,331,884, C>T. VCF-style: chr2-231331884-C-T. GRCh37 (hg19) VCF-style: chr2-232196596-C-T.
Other names: c.1865C>T, p.Thr622Met (NM_001271466.4, NM_001291656.2, NM_001352755.2 and 2 more transcripts); c.1766C>T, p.Thr589Met (NM_001352757.2, NM_001352758.2); c.1774-13091C>T (NM_001352759.2); short protein forms T589M, T622M.
Identifiers: ClinVar variation 1058308 (VCV001058308.6), dbSNP rs749948079, ClinGen allele CA66859383.